The following is an entry in ClinVar:

ClinVar aggregate classification (germline): Uncertain significance (1 of 4 stars; one submission).

Conditions:
Multiple endocrine neoplasia, type 1 (MEN1). Also called: MEN I; WERMER SYNDROME; Endocrine adenomatosis multiple; MEN 1; MEA I. Identifiers: Orphanet 652, MedGen C0025267, MeSH D018761, MONDO:0007540, OMIM 131100.

Submission:

Labcorp Genetics (formerly Invitae), Labcorp
Classification: Uncertain significance for Multiple endocrine neoplasia, type 1. Last evaluated: 2022-09-05. Review status: criteria provided, single submitter. Criteria: Invitae Variant Classification Sherloc (09022015). Collection method: clinical testing. Allele origin: germline.
Comment: This sequence change replaces glutamine, which is neutral and polar, with arginine, which is basic and polar, at codon 258 of the MEN1 protein (p.Gln258Arg). This variant is not present in population databases (gnomAD no frequency). This variant has not been reported in the literature in individuals affected with MEN1-related conditions. Algorithms developed to predict the effect of missense changes on protein structure and function are either unavailable or do not agree on the potential impact of this missense change (SIFT: "Deleterious"; PolyPhen-2: "Benign"; Align-GVGD: "Class C0"). In summary, the available evidence is currently insufficient to determine the role of this variant in disease. Therefore, it has been classified as a Variant of Uncertain Significance.

NM_001370259.2(MEN1):c.773A>G (p.Gln258Arg)

Gene: MEN1 (menin 1; minus strand). Cytogenetic location: 11q13.1.
Variant type: single nucleotide variant.
Coding change: c.773A>G on transcript NM_001370259.2 (MANE Select); coding-DNA position 773, A replaced by G.
Protein change: p.Gln258Arg; replaces glutamine 258 with arginine.
Molecular consequence: missense variant.
Genome position (GRCh38, 1-based): chr11:64,807,562, T>C on the plus strand (A>G on the coding strand, the complement: MEN1 is on the minus strand). VCF-style: chr11-64807562-T-C. GRCh37 (hg19) VCF-style: chr11-64575034-T-C.
Other names: c.788A>G, p.Gln263Arg (NM_000244.4, NM_001407145.1, NM_001407150.1 and 5 more transcripts); c.773A>G, p.Gln258Arg (NM_001370251.2, NM_001370260.2, NM_001370261.2 and 7 more transcripts); c.668A>G, p.Gln223Arg (NM_001370262.2, NM_001370263.2, NM_001407148.1 and 2 more transcripts); short protein forms Q223R, Q258R, Q263R.
Identifiers: ClinVar variation 1718841 (VCV001718841.5), dbSNP rs2497203273, ClinGen allele CA381184161.